The following is an entry in ClinVar:

ClinVar aggregate classification (germline): Benign. Review status: criteria provided, multiple submitters, no conflicts (2 of 4 stars). 2 submissions from 2 submitters: Benign (2). Last evaluated 2023-11-12.

Submissions (2):

Unidad de Genómica Garrahan, Hospital de Pediatría Garrahan
Classification: Benign. Last evaluated: 2023-11-12. Review status: criteria provided, single submitter. Criteria: ACMG Guidelines, 2015. Collection method: clinical testing. Allele origin: germline. Affected: no. Observed: 77 variant alleles.
Comment: This variant is classified as Benign based on local population frequency. This variant was detected in 80% of patients studied by a panel of primary immunodeficiencies. Number of patients: 77. Only high quality variants are reported.

GeneDx
Classification: Benign. Last evaluated: 2021-05-13. Review status: criteria provided, single submitter. Criteria: GeneDx Variant Classification Process June 2021. Collection method: clinical testing. Allele origin: germline. Affected: yes.

NM_001199138.2(NLRC4):c.1+50del

Gene: NLRC4 (NLR family CARD domain containing 4; minus strand). Cytogenetic location: 2p22.3.
Variant type: Deletion.
Coding change: c.1+50del on transcript NM_001199138.2 (MANE Select); 50 bases into the intron after coding-DNA position 1, one base deleted (A; older notation c.1+50delA).
Molecular consequence: intron variant.
Genome position (GRCh38, 1-based): chr2:32,256,725, T deleted on the plus strand (A on the coding strand, the reverse complement: NLRC4 is on the minus strand); the first of 3 consecutive T bases (chr2:32,256,725-32,256,727); deleting any one gives the same sequence. VCF-style (leftmost placement, unchanged base first): chr2-32256724-AT-A. GRCh37 (hg19) VCF-style: chr2-32481793-AT-A.
Other names: c.1+50del (NM_001302504.1, NM_021209.4, NM_001199139.1).
Identifiers: ClinVar variation 1221049 (VCV001221049.5), dbSNP rs11295492, ClinGen allele CA1602243.